The following is an entry in ClinVar:

ClinVar aggregate classification (germline): Likely pathogenic (1 of 4 stars; one submission).

Conditions:
Deficiency of UDPglucose-hexose-1-phosphate uridylyltransferase. Also called: GALACTOSE-1-PHOSPHATE URIDYLYLTRANSFERASE DEFICIENCY; Transferase Deficiency Galactosemia; GALACTOSEMIA I; GALT deficiency; Galactosemia, classic. Identifiers: Orphanet 352, Orphanet 79239, MedGen C0268151, MONDO:0009258, OMIM 230400.

Submission:

Myriad Genetics, Inc.
Classification: Likely pathogenic for Deficiency of UDPglucose-hexose-1-phosphate uridylyltransferase. Last evaluated: 2022-02-02. Review status: criteria provided, single submitter. Criteria: Myriad Women's Health Autosomal Recessive and X-Linked Classification Criteria (2021). Collection method: clinical testing. Allele origin: unknown.
Comment: NM_000155.3(GALT):c.669_670delCC(Q224Gfs*13) is expected to be pathogenic in the context of galactosemia. This variant is predicted to lead to an abnormal or absent protein product due to the creation of a premature termination codon in GALT, a gene where loss-of-function variants are known to be pathogenic. Please note: this variant was assessed in the context of healthy population screening.

NM_000155.4(GALT):c.669_670del (p.Gln224fs)

Gene: GALT (galactose-1-phosphate uridylyltransferase; plus strand). Cytogenetic location: 9p13.3.
Variant type: Deletion.
Coding change: c.669_670del on transcript NM_000155.4 (MANE Select); coding-DNA positions 669 to 670, 2 bases deleted (CC; older notation c.669_670delCC).
Protein change: p.Gln224fs; shifts the reading frame from glutamine 224.
Molecular consequence: frameshift variant.
Genome position (GRCh38, 1-based): chr9:34,648,438-34,648,439, CC deleted. VCF-style (leftmost placement, unchanged base first): chr9-34648437-GCC-G. GRCh37 (hg19) VCF-style: chr9-34648434-GCC-G.
Other names: c.342_343del, p.Gln115fs (NM_001258332.2); short protein forms Q115fs, Q224fs.
Identifiers: ClinVar variation 1724242 (VCV001724242.2), dbSNP rs2492869931, ClinGen allele CA2580080402.